The following is an entry in ClinVar:

ClinVar aggregate classification (germline): Uncertain significance (1 of 4 stars; one submission).

Submission:

Labcorp Genetics (formerly Invitae), Labcorp
Classification: Uncertain significance. Last evaluated: 2025-07-14. Review status: criteria provided, single submitter. Criteria: Invitae Variant Classification Sherloc (09022015). Collection method: clinical testing. Allele origin: germline.
Comment: This sequence change falls in intron 11 of the POLR1A gene. It does not directly change the encoded amino acid sequence of the POLR1A protein. This variant is not present in population databases (gnomAD no frequency). This variant has not been reported in the literature in individuals affected with POLR1A-related conditions. Experimental studies and prediction algorithms are not available or were not evaluated, and the effect of this variant on mRNA splicing is currently unknown. In summary, the available evidence is currently insufficient to determine the role of this variant in disease. Therefore, it has been classified as a Variant of Uncertain Significance.

NM_015425.6(POLR1A):c.1380+2TG[9]

Gene: POLR1A (RNA polymerase I subunit A; minus strand). Cytogenetic location: 2p11.2.
Variant type: Microsatellite.
Coding change: c.1380+2TG[9] on transcript NM_015425.6 (MANE Select); nine copies in a row of the 2-base unit TG starting at c.1380+2; the reference has 23 copies in a row; 14 copies, 28 bases deleted.
Molecular consequence: splice donor variant.
Genome position (GRCh38, 1-based): chr2:86,077,812-86,077,839, CACACACACACACACACACACACACACA deleted on the plus strand (TGTGTGTGTGTGTGTGTGTGTGTGTGTG on the coding strand, the reverse complement: POLR1A is on the minus strand); deleting any 28 consecutive bases within chr2:86,077,812-86,077,858 gives the same sequence; the position shown is the placement nearest the transcript's 3' end. VCF-style (leftmost placement, unchanged base first): chr2-86077811-GCACACACACACACACACACACACACACA-G. GRCh37 (hg19) VCF-style: chr2-86304934-GCACACACACACACACACACACACACACA-G.
Identifiers: ClinVar variation 4723210 (VCV004723210.1).